The following is an entry in ClinVar:

NM_001159773.2(CANT1):c.769G>A (p.Val257Met)

Gene: CANT1 (calcium activated nucleotidase 1; minus strand). Cytogenetic location: 17q25.3.
Variant type: single nucleotide variant.
Coding change: c.769G>A on transcript NM_001159773.2 (MANE Select); coding-DNA position 769, G replaced by A.
Protein change: p.Val257Met; replaces valine 257 with methionine.
Molecular consequence: missense variant.
Genome position (GRCh38, 1-based): chr17:78,995,084, C>T on the plus strand (G>A on the coding strand, the complement: CANT1 is on the minus strand). VCF-style: chr17-78995084-C-T. GRCh37 (hg19) VCF-style: chr17-76991166-C-T.
Other names: c.769G>A (NM_138793.3); c.769G>A, p.Val257Met (NM_001159772.2, NM_138793.4); short protein forms V257M.
Identifiers: ClinVar variation 2192574 (VCV002192574.2), dbSNP rs540599778, ClinGen allele CA8808617.

ClinVar aggregate classification (germline): Uncertain significance. Review status: criteria provided, multiple submitters, no conflicts (2 of 4 stars). 2 submissions from 2 submitters: Uncertain significance (2). Last evaluated 2025-11-24.

Conditions:
Inborn genetic diseases. Identifiers: MedGen C0950123, MeSH D030342.

Allele frequency attached by ClinVar (database versions not stated): TOPMed 0.00003; ExAC 0.00008; gnomAD 0.00002.

Submissions (2):

Ambry Genetics
Classification: Uncertain significance for Inborn genetic diseases. Last evaluated: 2025-11-24. Review status: criteria provided, single submitter. Criteria: Ambry Variant Classification Scheme 2023. Collection method: clinical testing. Allele origin: germline.

Labcorp Genetics (formerly Invitae), Labcorp
Classification: Uncertain significance. Last evaluated: 2022-08-16. Review status: criteria provided, single submitter. Criteria: Invitae Variant Classification Sherloc (09022015). Collection method: clinical testing. Allele origin: germline.
Comment: This sequence change replaces valine, which is neutral and non-polar, with methionine, which is neutral and non-polar, at codon 257 of the CANT1 protein (p.Val257Met). This variant is present in population databases (rs540599778, gnomAD 0.01%). This variant has not been reported in the literature in individuals affected with CANT1-related conditions. Algorithms developed to predict the effect of missense changes on protein structure and function are either unavailable or do not agree on the potential impact of this missense change (SIFT: "Deleterious"; PolyPhen-2: "Probably Damaging"; Align-GVGD: "Class C0"). In summary, the available evidence is currently insufficient to determine the role of this variant in disease. Therefore, it has been classified as a Variant of Uncertain Significance.